The following is an entry in ClinVar:

NM_003001.5(SDHC):c.*685C>T

Gene: SDHC (succinate dehydrogenase complex subunit C; plus strand). Cytogenetic location: 1q23.3.
Variant type: single nucleotide variant.
Coding change: c.*685C>T on transcript NM_003001.5 (MANE Select); 685 bases downstream of the stop codon, C replaced by T.
Molecular consequence: 3 prime UTR variant.
Genome position (GRCh38, 1-based): chr1:161,363,118, C>T. VCF-style: chr1-161363118-C-T. GRCh37 (hg19) VCF-style: chr1-161332908-C-T.
Other names: c.*578C>T (NM_001035511.3, NM_001278172.3, NM_001407121.1); c.*685C>T (NM_001035512.3, NM_001035513.3, NM_001407115.1 and 5 more transcripts).
Identifiers: ClinVar variation 293334 (VCV000293334.6), dbSNP rs138085670, ClinGen allele CA10608186.

ClinVar aggregate classification (germline): Benign (1 of 4 stars; one submission).

Conditions:
Hereditary pheochromocytoma and paraganglioma. Also called: Hereditary Paraganglioma-Pheochromocytoma Syndromes; Hereditary paragangliomas and pheochromocytomas; Hereditary pheochromocytoma-paraganglioma. Identifiers: Orphanet 29072, MedGen C4274332, MONDO:0017366.

Allele frequency attached by ClinVar (database versions not stated): gnomAD 0.00295 and 0.00490; TOPMed 0.00388; gnomAD exomes 0.00892; 1000 Genomes Project 30x 0.01936; 1000 Genomes Project 0.02037.
gnomAD v4.1: 1,454 of 234,940 alleles (0.62%); highest among the groups gnomAD compares: South Asian, 5.3%; 29 homozygotes.

Submission:

Illumina Laboratory Services, Illumina
Classification: Benign for Hereditary Paraganglioma-Pheochromocytoma Syndromes. Last evaluated: 2018-01-13. Review status: criteria provided, single submitter. Criteria: ICSL Variant Classification Criteria 13 December 2019. Collection method: clinical testing. Allele origin: germline.
Comment: This variant was observed in the ICSL laboratory as part of a predisposition screen in an ostensibly healthy population. It had not been previously curated by ICSL or reported in the Human Gene Mutation Database (HGMD: prior to June 1st, 2018), and was therefore a candidate for classification through an automated scoring system. Utilizing variant allele frequency, disease prevalence and penetrance estimates, and inheritance mode, an automated score was calculated to assess if this variant is too frequent to cause the disease. Based on the score and internal cut-off values, a variant classified as benign is not then subjected to further curation. The score for this variant resulted in a classification of benign for this disease.